The following is an entry in ClinVar:

ClinVar aggregate classification (germline): Uncertain significance (1 of 4 stars; one submission).

Conditions:
Episodic ataxia type 2 (EA2). Also called: ATAXIA, EPISODIC, WITH NYSTAGMUS; ATAXIA, FAMILIAL PAROXYSMAL; CEREBELLAR ATAXIA, PAROXYSMAL, ACETAZOLAMIDE-RESPONSIVE; CEREBELLOPATHY, HEREDITARY PAROXYSMAL; ACETAZOLAMIDE-RESPONSIVE HEREDITARY PAROXYSMAL CEREBELLAR ATAXIA; EPISODIC ATAXIA, NYSTAGMUS-ASSOCIATED. Identifiers: Orphanet 97, MedGen C1720416, MONDO:0007163, OMIM 108500.
Developmental and epileptic encephalopathy, 42 (DEE42A). Also called: DEVELOPMENTAL AND EPILEPTIC ENCEPHALOPATHY 42A; EPILEPTIC ENCEPHALOPATHY, EARLY INFANTILE, 42A; Epileptic encephalopathy, early infantile, 42. Identifiers: MedGen C4310716, MONDO:0014917, OMIM 617106.

Allele frequency attached by ClinVar (database versions not stated): TOPMed below 0.00001.

Submission:

Labcorp Genetics (formerly Invitae), Labcorp
Classification: Uncertain significance for Developmental and epileptic encephalopathy, 42; Episodic ataxia type 2. Last evaluated: 2024-03-04. Review status: criteria provided, single submitter. Criteria: Invitae Variant Classification Sherloc (09022015). Collection method: clinical testing. Allele origin: germline.
Comment: This sequence change replaces glutamine, which is neutral and polar, with glutamic acid, which is acidic and polar, at codon 862 of the CACNA1A protein (p.Gln862Glu). This variant is not present in population databases (gnomAD no frequency). This variant has not been reported in the literature in individuals affected with CACNA1A-related conditions. ClinVar contains an entry for this variant (Variation ID: 1505105). Advanced modeling of protein sequence and biophysical properties (such as structural, functional, and spatial information, amino acid conservation, physicochemical variation, residue mobility, and thermodynamic stability) performed at Invitae indicates that this missense variant is not expected to disrupt CACNA1A protein function with a negative predictive value of 95%. In summary, the available evidence is currently insufficient to determine the role of this variant in disease. Therefore, it has been classified as a Variant of Uncertain Significance.

NM_001127222.2(CACNA1A):c.2581C>G (p.Gln861Glu)

Gene: CACNA1A (calcium voltage-gated channel subunit alpha1 A; minus strand). Cytogenetic location: 19p13.13.
Variant type: single nucleotide variant.
Coding change: c.2581C>G on transcript NM_001127222.2 (MANE Select); coding-DNA position 2581, C replaced by G.
Protein change: p.Gln861Glu; replaces glutamine 861 with glutamic acid.
Molecular consequence: missense variant.
Genome position (GRCh38, 1-based): chr19:13,299,052, G>C on the plus strand (C>G on the coding strand, the complement: CACNA1A is on the minus strand). VCF-style: chr19-13299052-G-C. GRCh37 (hg19) VCF-style: chr19-13409866-G-C.
Other names: c.2593C>G, p.Gln865Glu (NM_000068.4, NM_023035.3); c.2584C>G, p.Gln862Glu (NM_001127221.2, NM_001174080.2); short protein forms Q861E, Q862E, Q865E.
Identifiers: ClinVar variation 1505105 (VCV001505105.6), dbSNP rs1407784551, ClinGen allele CA404343136.